The following is an entry in ClinVar:

ClinVar aggregate classification (germline): Uncertain significance (1 of 4 stars; one submission).

Conditions:
Xeroderma pigmentosum, group F (XPF). Also called: XERODERMA PIGMENTOSUM, COMPLEMENTATION GROUP F; XERODERMA PIGMENTOSUM, TYPE F; Xeroderma pigmentosum, type 6; XERODERMA PIGMENTOSUM VI; XP, GROUP F; ERCC4-Related Xeroderma Pigmentosum. Identifiers: MedGen C0268140, MONDO:0010215, OMIM 278760.
Cockayne syndrome. Identifiers: Orphanet 191, MedGen C0009207, MONDO:0016006.
Fanconi anemia complementation group Q. Identifiers: Orphanet 84, MedGen C3808988, MONDO:0014108, OMIM 615272.

gnomAD v4.1: 16 of 1,614,034 alleles (0.00099%); highest among the groups gnomAD compares: South Asian, 0.016%; 1 homozygote.

Submission:

Labcorp Genetics (formerly Invitae), Labcorp
Classification: Uncertain significance for Fanconi anemia complementation group Q; Xeroderma pigmentosum, group F; Cockayne syndrome. Last evaluated: 2024-11-11. Review status: criteria provided, single submitter. Criteria: Invitae Variant Classification Sherloc (09022015). Collection method: clinical testing. Allele origin: germline.
Comment: This sequence change replaces proline, which is neutral and non-polar, with leucine, which is neutral and non-polar, at codon 821 of the ERCC4 protein (p.Pro821Leu). This variant is present in population databases (rs763983833, gnomAD 0.01%). This variant has not been reported in the literature in individuals affected with ERCC4-related conditions. Invitae Evidence Modeling of protein sequence and biophysical properties (such as structural, functional, and spatial information, amino acid conservation, physicochemical variation, residue mobility, and thermodynamic stability) indicates that this missense variant is not expected to disrupt ERCC4 protein function with a negative predictive value of 80%. In summary, the available evidence is currently insufficient to determine the role of this variant in disease. Therefore, it has been classified as a Variant of Uncertain Significance.

NM_005236.3(ERCC4):c.2462C>T (p.Pro821Leu)

Gene: ERCC4 (ERCC excision repair 4, endonuclease catalytic subunit; plus strand). Cytogenetic location: 16p13.12.
Variant type: single nucleotide variant.
Coding change: c.2462C>T on transcript NM_005236.3 (MANE Select); coding-DNA position 2462, C replaced by T.
Protein change: p.Pro821Leu; replaces proline 821 with leucine.
Molecular consequence: missense variant.
Genome position (GRCh38, 1-based): chr16:13,948,058, C>T. VCF-style: chr16-13948058-C-T. GRCh37 (hg19) VCF-style: chr16-14041915-C-T.
Other names: short protein forms P821L.
Identifiers: ClinVar variation 3758518 (VCV003758518.2).
Genomic context (GRCh38, chr16:13,948,058, plus strand): 5'-TCTGGTGCCCCTCTCCTCATGCAACGGCGGAGTTGTTTGAGGAGCTGAAACAAAGCAAGC[C>T]ACAGCCTGATGCGGCGACAGCACTGGCCATTACAGCAGATTCTGAAACCCTTCCCGAGTC-3'
Protein context (NP_005227.1, residues 811-831): ELFEELKQSK[Pro821Leu]QPDAATALAI